The following is an entry in ClinVar:

NM_005204.4(MAP3K8):c.15C>A (p.Ser5Arg)

Gene: MAP3K8 (mitogen-activated protein kinase kinase kinase 8; plus strand). Cytogenetic location: 10p11.23.
Variant type: single nucleotide variant.
Coding change: c.15C>A on transcript NM_005204.4 (MANE Select); coding-DNA position 15, C replaced by A.
Protein change: p.Ser5Arg; replaces serine 5 with arginine.
Molecular consequence: missense variant.
Genome position (GRCh38, 1-based): chr10:30,438,953, C>A. VCF-style: chr10-30438953-C-A. GRCh37 (hg19) VCF-style: chr10-30727882-C-A.
Other names: c.15C>A, p.Ser5Arg (NM_001244134.1, NM_001320961.2); short protein forms S5R.
Identifiers: ClinVar variation 2901509 (VCV002901509.3), dbSNP rs757273381, ClinGen allele CA5459567.

ClinVar aggregate classification (germline): Uncertain significance (1 of 4 stars; one submission).

Allele frequency attached by ClinVar (database versions not stated): gnomAD 0.00001; ExAC 0.00002.
gnomAD v4.1: 3 of 1,607,246 alleles (0.00019%); highest among the groups gnomAD compares: Non-Finnish European, 0.00026%; no homozygotes.

Submission:

Labcorp Genetics (formerly Invitae), Labcorp
Classification: Uncertain significance. Last evaluated: 2023-12-09. Review status: criteria provided, single submitter. Criteria: Invitae Variant Classification Sherloc (09022015). Collection method: clinical testing. Allele origin: germline.
Comment: This sequence change replaces serine, which is neutral and polar, with arginine, which is basic and polar, at codon 5 of the MAP3K8 protein (p.Ser5Arg). This variant is present in population databases (rs757273381, gnomAD 0.003%). This variant has not been reported in the literature in individuals affected with MAP3K8-related conditions. An algorithm developed to predict the effect of missense changes on protein structure and function (PolyPhen-2) suggests that this variant is likely to be disruptive. In summary, the available evidence is currently insufficient to determine the role of this variant in disease. Therefore, it has been classified as a Variant of Uncertain Significance.